The following is an entry in ClinVar:

ClinVar aggregate classification (germline): Benign/Likely benign. Review status: criteria provided, multiple submitters, no conflicts (2 of 4 stars). 4 submissions from 4 submitters: Benign (1); Likely benign (2). 1 of the submissions does not count toward it. Last evaluated 2025-12-22.

Conditions:
IGF2-related disorder. Also called: IGF2-related condition.

Allele frequency attached by ClinVar (database versions not stated): ESP Exome Variant Server 0.00008; gnomAD exomes 0.00012 and 0.00029; ExAC 0.00022; gnomAD 0.00022 and 0.00023; TOPMed 0.00025.
gnomAD v4.1: 217 of 1,601,510 alleles (0.014%); highest among the groups gnomAD compares: Admixed American, 0.089%; no homozygotes.

Submissions (4):

Labcorp Genetics (formerly Invitae), Labcorp
Classification: Benign. Last evaluated: 2025-12-22. Review status: criteria provided, single submitter. Criteria: Invitae Variant Classification Sherloc (09022015). Collection method: clinical testing. Allele origin: germline.

Blueprint Genetics
Classification: Likely benign. Last evaluated: 2024-06-13. Review status: criteria provided, single submitter. Criteria: ACMG Guidelines, 2015. Collection method: clinical testing. Allele origin: germline.

CeGaT Center for Human Genetics Tuebingen
Classification: Likely benign. Last evaluated: 2022-04-01. Review status: criteria provided, single submitter. Criteria: CeGaT Center For Human Genetics Tuebingen Variant Classification Criteria Version 2. Collection method: clinical testing. Allele origin: germline. Affected: yes. Observed: 1 variant allele.
Comment: IGF2: BP4, BP7

PreventionGenetics, part of Exact Sciences
Classification: Likely benign for IGF2-related condition. Last evaluated: 2019-11-11. Review status: no assertion criteria provided. Collection method: clinical testing. Allele origin: germline. Not counted in ClinVar's aggregate classification.
Comment: This variant is classified as likely benign based on ACMG/AMP sequence variant interpretation guidelines (Richards et al. 2015 PMID: 25741868, with internal and published modifications).

NM_000612.6(IGF2):c.381C>T (p.Arg127=)

Genes: IGF2 (insulin like growth factor 2; minus strand), INS-IGF2 (INS-IGF2 readthrough; minus strand). Cytogenetic location: 11p15.5.
Variant type: single nucleotide variant.
Coding change: c.381C>T on transcript NM_000612.6 (MANE Select); coding-DNA position 381, C replaced by T.
Protein change: p.Arg127=; no amino-acid change (arginine 127 retained).
Molecular consequence: synonymous variant. On other transcripts: non-coding transcript variant (1).
Genome position (GRCh38, 1-based): chr11:2,133,149, G>A on the plus strand (C>T on the coding strand, the complement: IGF2 is on the minus strand). VCF-style: chr11-2133149-G-A. GRCh37 (hg19) VCF-style: chr11-2154379-G-A.
Other names: c.381C>T, p.Arg127= (NM_001007139.6, NM_001291861.3, NM_001291862.3); c.549C>T, p.Arg183= (NM_001127598.3).
Identifiers: ClinVar variation 729023 (VCV000729023.35), dbSNP rs1065443, ClinGen allele CA5817623.